The following is an entry in ClinVar:

ClinVar aggregate classification (germline): Uncertain significance (1 of 4 stars; one submission).

Conditions:
Pityriasis rubra pilaris (PRP). Also called: Pityriasis rubra pilaris--familial type. Identifiers: Orphanet 2897, MedGen C0032027, MONDO:0100017, OMIM 173200, MONDO:0008251.
Psoriasis 2. Identifiers: MedGen C1864497, MONDO:0011269, OMIM 602723.

Allele frequency attached by ClinVar (database versions not stated): TOPMed 0.00002.

Submission:

Labcorp Genetics (formerly Invitae), Labcorp
Classification: Uncertain significance for Pityriasis rubra pilaris; Psoriasis 2. Last evaluated: 2024-10-17. Review status: criteria provided, single submitter. Criteria: Invitae Variant Classification Sherloc (09022015). Collection method: clinical testing. Allele origin: germline.
Comment: This sequence change replaces arginine, which is basic and polar, with histidine, which is basic and polar, at codon 166 of the CARD14 protein (p.Arg166His). The frequency data for this variant in the population databases is considered unreliable, as metrics indicate poor data quality at this position in the gnomAD database. This missense change has been observed in individual(s) with psoriasis (PMID: 24999592). ClinVar contains an entry for this variant (Variation ID: 1510314). Invitae Evidence Modeling of protein sequence and biophysical properties (such as structural, functional, and spatial information, amino acid conservation, physicochemical variation, residue mobility, and thermodynamic stability) indicates that this missense variant is not expected to disrupt CARD14 protein function with a negative predictive value of 95%. In summary, the available evidence is currently insufficient to determine the role of this variant in disease. Therefore, it has been classified as a Variant of Uncertain Significance.

Literature cited by the submitters: PubMed 24999592.

NM_001366385.1(CARD14):c.497G>A (p.Arg166His)

Gene: CARD14 (caspase recruitment domain family member 14; plus strand). Cytogenetic location: 17q25.3.
Variant type: single nucleotide variant.
Coding change: c.497G>A on transcript NM_001366385.1 (MANE Select); coding-DNA position 497, G replaced by A.
Protein change: p.Arg166His; replaces arginine 166 with histidine.
Molecular consequence: missense variant. On other transcripts: non-coding transcript variant (1).
Genome position (GRCh38, 1-based): chr17:80,184,060, G>A. VCF-style: chr17-80184060-G-A. GRCh37 (hg19) VCF-style: chr17-78157859-G-A.
Other names: c.497G>A, p.Arg166His (NM_001257970.1, NM_024110.4); short protein forms R166H.
Identifiers: ClinVar variation 1510314 (VCV001510314.6), dbSNP rs1005134219, ClinGen allele CA294858200.